The following is an entry in ClinVar:

ClinVar aggregate classification (germline): Uncertain significance (1 of 4 stars; one submission).

Conditions:
TTN-related disorder. Also called: TTN-related condition; TTN-related disease; TTN-related disorders.

Submission:

Illumina Laboratory Services, Illumina
Classification: Uncertain significance. Last evaluated: 2021-10-01. Review status: criteria provided, single submitter. Criteria: ICSLVariantClassificationCriteria RUGD 01 April 2020. Collection method: clinical testing. Allele origin: unknown.
Comment: The TTN c.52531G>A (p.Val17511Ile) variant is a missense variant. A literature search was performed for the gene, cDNA change, and amino acid change. No publications were found based on this search. This variant is not found in version 2.1.1 or version 3.1.1 of the Genome Aggregation Database despite its location in a region of good sequencing coverage, which suggests the variant is rare. This variant is located within the A band of the protein (Oates et al. 2018). Based on the limited evidence, the p.Val17511Ile variant is classified as a variant of uncertain significance for TTN-related disorders.

Literature cited by the submitters: PubMed 29691892.

NM_001267550.2(TTN):c.52531G>A (p.Val17511Ile)

Genes: TTN (titin; minus strand), TTN-AS1 (TTN antisense RNA 1; plus strand), LOC126806425 (BRD4-independent group 4 enhancer GRCh37_chr2:179471933-179473132; plus strand). Cytogenetic location: 2q31.2.
Variant type: single nucleotide variant.
Coding change: c.52531G>A on transcript NM_001267550.2 (MANE Select); coding-DNA position 52531, G replaced by A.
Protein change: p.Val17511Ile; replaces valine 17511 with isoleucine.
Molecular consequence: missense variant.
Genome position (GRCh38, 1-based): chr2:178,608,352, C>T on the plus strand (G>A on the coding strand, the complement: TTN is on the minus strand). VCF-style: chr2-178608352-C-T. GRCh37 (hg19) VCF-style: chr2-179473079-C-T.
Other names: c.47608G>A, p.Val15870Ile (NM_001256850.1); c.25336G>A, p.Val8446Ile (NM_003319.4); c.44827G>A, p.Val14943Ile (NM_133378.4); c.25711G>A, p.Val8571Ile (NM_133432.3); c.25912G>A, p.Val8638Ile (NM_133437.4); short protein forms V14943I, V15870I, V17511I, V8446I, V8571I, V8638I.
Identifiers: ClinVar variation 1328161 (VCV001328161.4), dbSNP rs1446269783, ClinGen allele CA349573121.
Genomic context (GRCh38, chr2:178,608,352, plus strand): 5'-CATTGGCTTTCAAGGCATTCAGAAGGCTTTTGTTGACACGAGACCAATGTGTACTGTTAA[C>T]TTCACGTTTTTCAAGCCAGTAACCCAAAATGGGGCTTCCATTATCTTTTGGTTCATTCCA-3'
Protein context (NP_001254479.2, residues 17501-17521): ILGYWLEKRE[Val17511Ile]NSTHWSRVNK